The following is an entry in ClinVar:

NM_000261.2(MYOC):c.1041T>C (p.Tyr347=)

Gene: MYOC (myocilin; minus strand). Cytogenetic location: 1q24.3.
Variant type: single nucleotide variant.
Coding change: c.1041T>C on transcript NM_000261.2 (MANE Select); coding-DNA position 1041, T replaced by C.
Protein change: p.Tyr347=; no amino-acid change (tyrosine 347 retained).
Molecular consequence: synonymous variant.
Genome position (GRCh38, 1-based): chr1:171,636,399, A>G on the plus strand (T>C on the coding strand, the complement: MYOC is on the minus strand). VCF-style: chr1-171636399-A-G. GRCh37 (hg19) VCF-style: chr1-171605539-A-G.
Other names: NM_000261.2(MYOC):c.1041T>C; p.Tyr347=.
Identifiers: ClinVar variation 293709 (VCV000293709.18), dbSNP rs61730974, ClinGen allele CA1244091.
Genomic context (GRCh38, chr1:171,636,399, plus strand): 5'-TCCGTGGTAGCCAGCTCCAGGGATTTCCTTCTCAGCCTTCACTGTCTCGGTATTCAGCTC[A>G]TATCTTATGACAGTTCTGGACTCAGCGCCCTGGAAATAGAGGCTCCCCGAGTACACCACA-3'
Protein context (NP_000252.1, residues 337-357): QGAESRTVIR[Tyr347=]ELNTETVKAE

ClinVar aggregate classification (germline): Benign. Review status: reviewed by expert panel (3 of 4 stars). 6 submissions from 5 submitters: Benign (1). 5 of the submissions do not count toward it. Last evaluated 2025-10-08.

Conditions:
Glaucoma. Identifiers: MedGen C0017601, MONDO:0005041, HP:0000501.
Open-angle glaucoma. Identifiers: MedGen C0017612, MONDO:0005338, HP:0012108.
Glaucoma 1, open angle, A (GLC1A). Also called: Glaucoma, Dominant (Juvenile Onset). Identifiers: Orphanet 98977, MedGen C1842028, MONDO:0007664, OMIM 137750.

Allele frequency attached by ClinVar (database versions not stated): ESP Exome Variant Server 0.02184; 1000 Genomes Project 0.01218; 1000 Genomes Project 30x 0.01249; TOPMed 0.01902; gnomAD 0.02199.
gnomAD v4.1: 41,531 of 1,614,076 alleles (2.6%); highest among the groups gnomAD compares: Middle Eastern, 5.5%; 711 homozygotes.

Submissions (6):

ClinGen Glaucoma Variant Curation Expert Panel
Classification: Benign for Open-angle glaucoma. Last evaluated: 2025-10-08. Review status: reviewed by expert panel. Criteria: ClinGen Glaucoma ACMG Specifications V2.0.0 Approved. Collection method: curation. Allele origin: germline. Inheritance: Autosomal dominant inheritance.
Comment: The c.1041T>C variant in MYOC is a synonymous variant (p.Tyr347=). The highest minor allele frequency of this variant was in the Ashkenazi Jewish genetic ancestry group of gnomAD (v4.1.0) = 0.08019, which met the ≥ 0.01 threshold set for BA1 (2,374alleles out of 29,606, meeting the threshold of ≥ 5 of at least 2,000 observed alleles). The SpliceAI score = 0.01, which met the ≤ 0.1 threshold for BP4, suggesting that the variant does not impact MYOC function. This synonymous variant meets BP4, so BP7 is met. There was no functional evidence predicting a damaging or benign impact of this variant on MYOC function. As BA1 was met, PP1 did not apply and segregations were not counted. Although probands with juvenile or primary open angle glaucoma have been reported carrying this variant, PM2_Supporting was not met, therefore PS4 did not apply. In summary, this variant was classified as benign (BA1 is a stand-alone criterion for a benign level of pathogenicity) for juvenile open angle glaucoma based on the ACMG/AMP criteria met, as specified by the ClinGen Glaucoma VCEP (v2, new_date_2024): BA1, BP4, BP7

Labcorp Genetics (formerly Invitae), Labcorp
Classification: Benign. Last evaluated: 2026-01-13. Review status: criteria provided, single submitter. Criteria: Invitae Variant Classification Sherloc (09022015). Collection method: clinical testing. Allele origin: germline. Not counted in ClinVar's aggregate classification.

Illumina Laboratory Services, Illumina
Classification: Likely benign for Glaucoma. Last evaluated: 2018-01-13. Review status: criteria provided, single submitter. Criteria: ICSL Variant Classification Criteria 13 December 2019. Collection method: clinical testing. Allele origin: germline. Not counted in ClinVar's aggregate classification.
Comment: This variant was observed in the ICSL laboratory as part of a predisposition screen in an ostensibly healthy population. It had not been previously curated by ICSL or reported in the Human Gene Mutation Database (HGMD: prior to June 1st, 2018), and was therefore a candidate for classification through an automated scoring system. Utilizing variant allele frequency, disease prevalence and penetrance estimates, and inheritance mode, an automated score was calculated to assess if this variant is too frequent to cause the disease. Based on the score and internal cut-off values, a variant classified as likely benign is not then subjected to further curation. The score for this variant resulted in a classification of likely benign for this disease.

Illumina Laboratory Services, Illumina
Classification: Benign for Glaucoma 1, open angle, A. Last evaluated: 2018-01-13. Review status: criteria provided, single submitter. Criteria: ICSL Variant Classification Criteria 13 December 2019. Collection method: clinical testing. Allele origin: germline. Not counted in ClinVar's aggregate classification.
Comment: This variant was observed in the ICSL laboratory as part of a predisposition screen in an ostensibly healthy population. It had not been previously curated by ICSL or reported in the Human Gene Mutation Database (HGMD: prior to June 1st, 2018), and was therefore a candidate for classification through an automated scoring system. Utilizing variant allele frequency, disease prevalence and penetrance estimates, and inheritance mode, an automated score was calculated to assess if this variant is too frequent to cause the disease. Based on the score and internal cut-off values, a variant classified as benign is not then subjected to further curation. The score for this variant resulted in a classification of benign for this disease.

GeneDx
Classification: Benign. Last evaluated: 2016-02-26. Review status: criteria provided, single submitter. Criteria: GeneDx Variant Classification (06012015). Collection method: clinical testing. Allele origin: germline. Affected: yes. Not counted in ClinVar's aggregate classification.
Comment: This variant is considered likely benign or benign based on one or more of the following criteria: it is a conservative change, it occurs at a poorly conserved position in the protein, it is predicted to be benign by multiple in silico algorithms, and/or has population frequency not consistent with disease.

Breakthrough Genomics
Classification: Benign. Review status: criteria provided, single submitter. Criteria: ACMG Guidelines, 2015. Collection method: not provided. Allele origin: germline. Inheritance: Autosomal dominant inheritance. Affected: yes. Not counted in ClinVar's aggregate classification.